The following is an entry in ClinVar:

ClinVar aggregate classification (germline): Uncertain significance (1 of 4 stars; one submission).

Submission:

GeneDx
Classification: Uncertain significance. Last evaluated: 2022-01-20. Review status: criteria provided, single submitter. Criteria: GeneDx Variant Classification Process June 2021. Collection method: clinical testing. Allele origin: germline. Affected: yes.
Comment: Has not been previously published as pathogenic or benign to our knowledge; Not observed at significant frequency in large population cohorts (gnomAD); In silico analysis supports that this missense variant does not alter protein structure/function

NM_006236.3(POU3F3):c.427C>G (p.Pro143Ala)

Gene: POU3F3 (POU class 3 homeobox 3; plus strand). Cytogenetic location: 2q12.1.
Variant type: single nucleotide variant.
Coding change: c.427C>G on transcript NM_006236.3 (MANE Select); coding-DNA position 427, C replaced by G.
Protein change: p.Pro143Ala; replaces proline 143 with alanine.
Molecular consequence: missense variant.
Genome position (GRCh38, 1-based): chr2:104,855,937, C>G. VCF-style: chr2-104855937-C-G. GRCh37 (hg19) VCF-style: chr2-105472395-C-G.
Other names: short protein forms P143A.
Identifiers: ClinVar variation 1698145 (VCV001698145.2), dbSNP rs2104340089, ClinGen allele CA348096726.